The following is an entry in ClinVar:

NM_006659.4(TUBGCP2):c.2299C>T (p.Gln767Ter)

Gene: TUBGCP2 (tubulin gamma complex component 2; minus strand). Cytogenetic location: 10q26.3.
Variant type: single nucleotide variant.
Coding change: c.2299C>T on transcript NM_006659.4 (MANE Select); coding-DNA position 2299, C replaced by T.
Protein change: p.Gln767Ter; replaces glutamine 767 with a stop codon.
Molecular consequence: nonsense. On other transcripts: non-coding transcript variant (1).
Genome position (GRCh38, 1-based): chr10:133,282,333, G>A on the plus strand (C>T on the coding strand, the complement: TUBGCP2 is on the minus strand). VCF-style: chr10-133282333-G-A. GRCh37 (hg19) VCF-style: chr10-135095837-G-A.
Other names: c.2383C>T, p.Gln795Ter (NM_001256617.2); c.1909C>T, p.Gln637Ter (NM_001256618.2); short protein forms Q637*, Q767*, Q795*.
Identifiers: ClinVar variation 4853458 (VCV004853458.1).

ClinVar aggregate classification (germline): Uncertain significance (1 of 4 stars; one submission).

Submission:

Women's Health and Genetics/Laboratory Corporation of America, LabCorp
Classification: Uncertain significance. Last evaluated: 2026-05-07. Review status: criteria provided, single submitter. Criteria: LabCorp Variant Classification Summary - May 2015. Collection method: clinical testing. Allele origin: germline.
Comment: Variant summary: TUBGCP2 c.2383C>T (p.Gln795X) results in a premature termination codon, predicted to cause a truncation of the encoded protein or absence of the protein due to nonsense mediated decay, however current evidence is not sufficient to establish loss of function as a mechanism for disease. The variant was absent in 241492 control chromosomes. The available data on variant occurrences in the general population are insufficient to allow any conclusion about variant significance. To our knowledge, no occurrence of c.2383C>T in individuals affected with TUBGCP2-related conditions and no experimental evidence demonstrating its impact on protein function have been reported. No submitters have cited clinical-significance assessments for this variant to ClinVar. Based on the evidence outlined above, the variant was classified as uncertain significance.